The following is an entry in ClinVar:

NM_001195263.2(PDZD7):c.91C>A (p.Leu31Ile)

Gene: PDZD7 (PDZ domain containing 7; minus strand). Cytogenetic location: 10q24.31.
Variant type: single nucleotide variant.
Coding change: c.91C>A on transcript NM_001195263.2 (MANE Select); coding-DNA position 91, C replaced by A.
Protein change: p.Leu31Ile; replaces leucine 31 with isoleucine.
Molecular consequence: missense variant.
Genome position (GRCh38, 1-based): chr10:101,030,129, G>T on the plus strand (C>A on the coding strand, the complement: PDZD7 is on the minus strand). VCF-style: chr10-101030129-G-T. GRCh37 (hg19) VCF-style: chr10-102789886-G-T.
Other names: c.91C>A, p.Leu31Ile (NM_001351044.2, NM_024895.5); short protein forms L31I.
Identifiers: ClinVar variation 1392297 (VCV001392297.7), dbSNP rs370710418, ClinGen allele CA5654510.

ClinVar aggregate classification (germline): Uncertain significance. Review status: criteria provided, multiple submitters, no conflicts (2 of 4 stars). 2 submissions from 2 submitters: Uncertain significance (2). Last evaluated 2024-10-16.

Allele frequency attached by ClinVar (database versions not stated): gnomAD exomes 0.00002; ExAC 0.00003; ESP Exome Variant Server 0.00008; gnomAD 0.00009; TOPMed 0.00009.
gnomAD v4.1: 50 of 1,614,064 alleles (0.0031%); highest among the groups gnomAD compares: Admixed American, 0.017%; no homozygotes.

Submissions (2):

Labcorp Genetics (formerly Invitae), Labcorp
Classification: Uncertain significance. Last evaluated: 2024-10-16. Review status: criteria provided, single submitter. Criteria: Invitae Variant Classification Sherloc (09022015). Collection method: clinical testing. Allele origin: germline.
Comment: This sequence change replaces leucine, which is neutral and non-polar, with isoleucine, which is neutral and non-polar, at codon 31 of the PDZD7 protein (p.Leu31Ile). This variant is present in population databases (rs370710418, gnomAD 0.004%). This variant has not been reported in the literature in individuals affected with PDZD7-related conditions. ClinVar contains an entry for this variant (Variation ID: 1392297). Invitae Evidence Modeling of protein sequence and biophysical properties (such as structural, functional, and spatial information, amino acid conservation, physicochemical variation, residue mobility, and thermodynamic stability) indicates that this missense variant is not expected to disrupt PDZD7 protein function with a negative predictive value of 80%. In summary, the available evidence is currently insufficient to determine the role of this variant in disease. Therefore, it has been classified as a Variant of Uncertain Significance.

Blueprint Genetics
Classification: Uncertain significance. Last evaluated: 2024-08-30. Review status: criteria provided, single submitter. Criteria: ACMG Guidelines, 2015. Collection method: clinical testing. Allele origin: germline.